The following is an entry in ClinVar:

NM_000548.5(TSC2):c.4925del (p.Gly1642fs)

Gene: TSC2 (TSC complex subunit 2; plus strand). Cytogenetic location: 16p13.3.
Variant type: Deletion.
Coding change: c.4925del on transcript NM_000548.5 (MANE Select); coding-DNA position 4925, one base deleted (G; older notation c.4925delG).
Protein change: p.Gly1642fs; shifts the reading frame from glycine 1642.
Molecular consequence: frameshift variant.
Genome position (GRCh38, 1-based): chr16:2,086,807, G deleted; the last of 3 consecutive G bases (chr16:2,086,805-2,086,807); deleting any one gives the same sequence. VCF-style (leftmost placement, unchanged base first): chr16-2086804-TG-T. GRCh37 (hg19) VCF-style: chr16-2136805-TG-T.
Other names: c.4925del (NM_000548.3); c.4724del, p.Gly1575fs (NM_001077183.3); c.4856del, p.Gly1619fs (NM_001114382.3); c.4616del, p.Gly1539fs (NM_001318827.2); c.4580del, p.Gly1527fs (NM_001318829.2); c.4193del, p.Gly1398fs (NM_001318831.2); c.4757del, p.Gly1586fs (NM_001318832.2); c.4727del, p.Gly1576fs (NM_001363528.2); and 2 more; short protein forms G1527fs, G1539fs, G1575fs, G1576fs, G1586fs, G1599fs, G1619fs, G1398fs.
Identifiers: ClinVar variation 49455 (VCV000049455.3), dbSNP rs137854156, ClinGen allele CA021281.
Genomic context (GRCh38, chr16:2,086,804, plus strand): 5'-TCGCCACCCTGATGCCCACCAAGGACGTGGACAAGCACCGCTGCGACAAGAAGCGCCACC[TG>T]GGCAACGACTTTGTGTCCATTGTCTACAATGACTCCGGTGAGGACTTCAAGCTTGGCACC-3'

ClinVar aggregate classification (germline): Pathogenic. Review status: criteria provided, single submitter (1 of 4 stars). 2 submissions from 2 submitters: Pathogenic (1). 1 of the submissions does not count toward it. Last evaluated 2019-08-07.

Conditions:
Tuberous sclerosis syndrome (TSC). Also called: Tuberous Sclerosis Complex; Tuberous sclerosis. Identifiers: Orphanet 805, MedGen C0041341, MONDO:0001734.

Submissions (2):

Athena Diagnostics
Classification: Pathogenic. Last evaluated: 2019-08-07. Review status: criteria provided, single submitter. Criteria: Athena Diagnostics Criteria. Collection method: clinical testing. Allele origin: germline.
Comment: The variant results in a shift of the reading frame, and is therefore predicted to result in the loss of a functional protein. Found in at least one symptomatic patient, and not found in general population data.

Tuberous sclerosis database (TSC2)
No classification provided. Condition: TSC. Review status: no classification provided. Criteria: Tuberous Sclerosis Database Assertion Criteria 2015. Collection method: curation. Allele origin: germline. Affected: yes. Not counted in ClinVar's aggregate classification.

Literature cited by the submitters: PubMed 12111193 (cited by Athena Diagnostics); PubMed 16114042 (cited by Athena Diagnostics).